The following is an entry in ClinVar:

NM_001348716.2(KDM6B):c.712-4C>A

Gene: KDM6B (lysine demethylase 6B; plus strand). Cytogenetic location: 17p13.1.
Variant type: single nucleotide variant.
Coding change: c.712-4C>A on transcript NM_001348716.2 (MANE Select); 4 bases into the intron before coding-DNA position 712, C replaced by A.
Molecular consequence: intron variant.
Genome position (GRCh38, 1-based): chr17:7,846,815, C>A. VCF-style: chr17-7846815-C-A. GRCh37 (hg19) VCF-style: chr17-7750133-C-A.
Other names: c.712-4C>A (NM_001080424.2).
Identifiers: ClinVar variation 3352316 (VCV003352316.1).

ClinVar aggregate classification (germline): Likely benign (0 of 4 stars; one submission).

Conditions:
KDM6B-related disorder. Also called: KDM6B-related condition.

gnomAD v4.1: 74 of 1,613,382 alleles (0.0046%); highest among the groups gnomAD compares: African/African-American, 0.092%; no homozygotes.

Submission:

PreventionGenetics, part of Exact Sciences
Classification: Likely benign for KDM6B-related condition. Last evaluated: 2024-03-14. Review status: no assertion criteria provided. Collection method: clinical testing. Allele origin: germline.
Comment: This variant is classified as likely benign based on ACMG/AMP sequence variant interpretation guidelines (Richards et al. 2015 PMID: 25741868, with internal and published modifications).